The following is an entry in ClinVar:

ClinVar aggregate classification (germline): Uncertain significance (1 of 4 stars; one submission).

Conditions:
Hereditary cancer-predisposing syndrome. Also called: Neoplastic Syndromes, Hereditary; Tumor predisposition; Hereditary Cancer Syndrome; Hereditary neoplastic syndrome. Identifiers: Orphanet 140162, MedGen C0027672, MeSH D009386, MONDO:0015356.

Submission:

Ambry Genetics
Classification: Uncertain significance for Hereditary cancer-predisposing syndrome. Last evaluated: 2020-03-04. Review status: criteria provided, single submitter. Criteria: Ambry Variant Classification Scheme 2023. Collection method: clinical testing. Allele origin: germline.
Comment: The p.G23R variant (also known as c.67G>C), located in coding exon 1 of the RET gene, results from a G to C substitution at nucleotide position 67. The glycine at codon 23 is replaced by arginine, an amino acid with dissimilar properties. This amino acid position is highly conserved in available vertebrate species. In addition, the in silico prediction for this alteration is inconclusive. Since supporting evidence is limited at this time, the clinical significance of this alteration remains unclear.

NM_020975.6(RET):c.67G>C (p.Gly23Arg)

Gene: RET (ret proto-oncogene; plus strand). Cytogenetic location: 10q11.21.
Variant type: single nucleotide variant.
Coding change: c.67G>C on transcript NM_020975.6 (MANE Select); coding-DNA position 67, G replaced by C.
Protein change: p.Gly23Arg; replaces glycine 23 with arginine.
Molecular consequence: missense variant.
Genome position (GRCh38, 1-based): chr10:43,077,325, G>C. VCF-style: chr10-43077325-G-C. GRCh37 (hg19) VCF-style: chr10-43572773-G-C.
Other names: c.67G>C, p.Gly23Arg (NM_001406784.1, NM_001406785.1, NM_001406786.1 and 38 more transcripts); short protein forms G23R.
Identifiers: ClinVar variation 1755516 (VCV001755516.2), dbSNP rs1198827347, ClinGen allele CA376768117.
Genomic context (GRCh38, chr10:43,077,325, plus strand): 5'-AAGGCGACGTCCGGTGCCGCGGGGCTGCGTCTGCTGTTGCTGCTGCTGCTGCCGCTGCTA[G>C]GCAAAGGTGAGTTCTGCCGGCCGCCGGCTCCCGCAGGGGCCAGGGCGAAGTTGGCGCCGA-3'
Protein context (NP_066124.1, residues 13-33): LLLLLLLPLL[Gly23Arg]KVALGLYFSR